The following is an entry in ClinVar:

ClinVar aggregate classification (germline): Uncertain significance. Review status: criteria provided, multiple submitters, no conflicts (2 of 4 stars). 2 submissions from 2 submitters: Uncertain significance (2). Last evaluated 2025-02-14.

Conditions:
Neonatal-onset encephalopathy with rigidity and seizures. Also called: Lethal neonatal spasticity-epileptic encephalopathy syndrome. Identifiers: Orphanet 435845, MedGen C3281029, MONDO:0013784, OMIM 614498.
Inborn genetic diseases. Identifiers: MedGen C0950123, MeSH D030342.

Allele frequency attached by ClinVar (database versions not stated): gnomAD exomes 0.00001 and 0.00002; gnomAD 0.00004; TOPMed 0.00006.
gnomAD v4.1: 32 of 1,608,356 alleles (0.002%); highest among the groups gnomAD compares: African/African-American, 0.013%; no homozygotes.

Submissions (2):

Ambry Genetics
Classification: Uncertain significance for Inborn genetic diseases. Last evaluated: 2025-02-14. Review status: criteria provided, single submitter. Criteria: Ambry Variant Classification Scheme 2023. Collection method: clinical testing. Allele origin: germline.

Labcorp Genetics (formerly Invitae), Labcorp
Classification: Uncertain significance for Neonatal-onset encephalopathy with rigidity and seizures. Last evaluated: 2022-08-10. Review status: criteria provided, single submitter. Criteria: Invitae Variant Classification Sherloc (09022015). Collection method: clinical testing. Allele origin: germline.
Comment: This sequence change replaces glycine, which is neutral and non-polar, with glutamic acid, which is acidic and polar, at codon 301 of the BRAT1 protein (p.Gly301Glu). This variant is present in population databases (no rsID available, gnomAD 0.01%). This variant has not been reported in the literature in individuals affected with BRAT1-related conditions. ClinVar contains an entry for this variant (Variation ID: 1446522). Algorithms developed to predict the effect of missense changes on protein structure and function are either unavailable or do not agree on the potential impact of this missense change (SIFT: "Deleterious"; PolyPhen-2: "Probably Damaging"; Align-GVGD: "Class C15"). In summary, the available evidence is currently insufficient to determine the role of this variant in disease. Therefore, it has been classified as a Variant of Uncertain Significance.

NM_152743.4(BRAT1):c.902G>A (p.Gly301Glu)

Gene: BRAT1 (BRCA1 associated ATM activator 1; minus strand). Cytogenetic location: 7p22.3.
Variant type: single nucleotide variant.
Coding change: c.902G>A on transcript NM_152743.4 (MANE Select); coding-DNA position 902, G replaced by A.
Protein change: p.Gly301Glu; replaces glycine 301 with glutamic acid.
Molecular consequence: missense variant. On other transcripts: non-coding transcript variant (1).
Genome position (GRCh38, 1-based): chr7:2,543,225, C>T on the plus strand (G>A on the coding strand, the complement: BRAT1 is on the minus strand). VCF-style: chr7-2543225-C-T. GRCh37 (hg19) VCF-style: chr7-2582859-C-T.
Other names: c.902G>A, p.Gly301Glu (NM_001350626.2); c.377G>A, p.Gly126Glu (NM_001350627.2); c.902G>A (NM_152743.3); short protein forms G126E, G301E.
Identifiers: ClinVar variation 1446522 (VCV001446522.4), dbSNP rs866641514, ClinGen allele CA152671081.
Genomic context (GRCh38, chr7:2,543,225, plus strand): 5'-CAGCACCCGCCTCGGAATGAAATGCACCCCAGACCATACCAGTGCTCGAGCTTCAGGATC[C>T]CCAAAGCCAGGGGTCCCATGTGGGTGGGACCCAGGCAGCTCAGAGCCCGCGCCACTGTCT-3'
Protein context (NP_689956.2, residues 291-311): GPTHMGPLAL[Gly301Glu]ILKLEHCPQA